The following is an entry in ClinVar:

NM_001430.5(EPAS1):c.137G>A (p.Ser46Asn)

Gene: EPAS1 (endothelial PAS domain protein 1; plus strand). Cytogenetic location: 2p21.
Variant type: single nucleotide variant.
Coding change: c.137G>A on transcript NM_001430.5 (MANE Select); coding-DNA position 137, G replaced by A.
Protein change: p.Ser46Asn; replaces serine 46 with asparagine.
Molecular consequence: missense variant.
Genome position (GRCh38, 1-based): chr2:46,346,983, G>A. VCF-style: chr2-46346983-G-A. GRCh37 (hg19) VCF-style: chr2-46574122-G-A.
Other names: short protein forms S46N.
Identifiers: ClinVar variation 1771255 (VCV001771255.2), dbSNP rs1376666026, ClinGen allele CA346697105.
Genomic context (GRCh38, chr2:46,346,983, plus strand): 5'-GGCGGAGCAAGGAGACGGAGGTGTTCTATGAGCTGGCCCATGAGCTGCCTCTGCCCCACA[G>A]TGTGAGCTCCCATCTGGACAAGGCCTCCATCATGCGACTGGCAATCAGCTTCCTGCGAAC-3'
Protein context (NP_001421.2, residues 36-56): ELAHELPLPH[Ser46Asn]VSSHLDKASI

ClinVar aggregate classification (germline): Uncertain significance (1 of 4 stars; one submission).

Conditions:
Inborn genetic diseases. Identifiers: MedGen C0950123, MeSH D030342.

gnomAD v4.1: 3 of 1,614,230 alleles (0.00019%); highest among the groups gnomAD compares: African/African-American, 0.0013%; no homozygotes.

Submission:

Ambry Genetics
Classification: Uncertain significance for Inborn genetic diseases. Last evaluated: 2022-01-21. Review status: criteria provided, single submitter. Criteria: Ambry Variant Classification Scheme 2023. Collection method: clinical testing. Allele origin: germline.
Comment: The p.S46N variant (also known as c.137G>A), located in coding exon 2 of the EPAS1 gene, results from a G to A substitution at nucleotide position 137. The serine at codon 46 is replaced by asparagine, an amino acid with highly similar properties. This amino acid position is conserved. In addition, this alteration is predicted to be tolerated by in silico analysis. Since supporting evidence is limited at this time, the clinical significance of this alteration remains unclear.